The following is an entry in ClinVar:

ClinVar aggregate classification (germline): Uncertain significance (1 of 4 stars; one submission).

Submission:

GeneDx
Classification: Uncertain significance. Last evaluated: 2025-03-28. Review status: criteria provided, single submitter. Criteria: GeneDx Variant Classification Process June 2021. Collection method: clinical testing. Allele origin: germline. Affected: yes.
Comment: Not observed at significant frequency in large population cohorts (gnomAD); In silico analysis supports that this missense variant has a deleterious effect on protein structure/function; Has not been previously published as pathogenic or benign to our knowledge

NM_002585.4(PBX1):c.923A>G (p.Lys308Arg)

Gene: PBX1 (PBX homeobox 1; plus strand). Cytogenetic location: 1q23.3.
Variant type: single nucleotide variant.
Coding change: c.923A>G on transcript NM_002585.4 (MANE Select); coding-DNA position 923, A replaced by G.
Protein change: p.Lys308Arg; replaces lysine 308 with arginine.
Molecular consequence: missense variant.
Genome position (GRCh38, 1-based): chr1:164,812,075, A>G. VCF-style: chr1-164812075-A-G. GRCh37 (hg19) VCF-style: chr1-164781312-A-G.
Other names: c.923A>G, p.Lys308Arg (NM_001204961.2, NM_001204963.2, NM_001353131.2); c.674A>G, p.Lys225Arg (NM_001353130.1); short protein forms K225R, K308R.
Identifiers: ClinVar variation 4278783 (VCV004278783.1).